The following is an entry in ClinVar:

NM_004817.4(TJP2):c.2775G>A (p.Thr925=)

Gene: TJP2 (tight junction protein 2; plus strand). Cytogenetic location: 9q21.11.
Variant type: single nucleotide variant.
Coding change: c.2775G>A on transcript NM_004817.4 (MANE Select); coding-DNA position 2775, G replaced by A.
Protein change: p.Thr925=; no amino-acid change (threonine 925 retained).
Molecular consequence: synonymous variant. On other transcripts: intron variant (1).
Genome position (GRCh38, 1-based): chr9:69,248,119, G>A. VCF-style: chr9-69248119-G-A. GRCh37 (hg19) VCF-style: chr9-71863035-G-A.
Other names: c.2706G>A, p.Thr902= (NM_001170414.2, NM_001369871.1); c.2787G>A, p.Thr929= (NM_001170415.1, NM_001369874.1, NM_001369875.1); c.2868G>A, p.Thr956= (NM_001170416.2); c.2700G>A, p.Thr900= (NM_001369870.1); c.2775G>A, p.Thr925= (NM_001369872.1, NM_201629.3, LRG_1201t1); c.2667+1329G>A (NM_001369873.1).
Identifiers: ClinVar variation 367228 (VCV000367228.14), dbSNP rs374453976, ClinGen allele CA5073768.

ClinVar aggregate classification (germline): Conflicting classifications of pathogenicity. Review status: criteria provided, conflicting classifications (1 of 4 stars). 5 submissions from 5 submitters: Uncertain significance (1); Likely benign (3). 1 of the submissions does not count toward it. Last evaluated 2025-12-17.

Conditions:
TJP2-related disorder. Also called: TJP2-related condition.

Allele frequency attached by ClinVar (database versions not stated): gnomAD 0.00002 and 0.00007; TOPMed 0.00005; ESP Exome Variant Server 0.00008; gnomAD exomes 0.00014 and 0.00027; 1000 Genomes Project 0.00020; 1000 Genomes Project 30x 0.00031; ExAC 0.00031.
gnomAD v4.1: 211 of 1,614,188 alleles (0.013%); highest among the groups gnomAD compares: South Asian, 0.19%; no homozygotes.

Submissions (5):

Labcorp Genetics (formerly Invitae), Labcorp
Classification: Likely benign. Last evaluated: 2025-12-17. Review status: criteria provided, single submitter. Criteria: Invitae Variant Classification Sherloc (09022015). Collection method: clinical testing. Allele origin: germline.

Blueprint Genetics
Classification: Likely benign. Last evaluated: 2023-05-12. Review status: criteria provided, single submitter. Criteria: ACMG Guidelines, 2015. Collection method: clinical testing. Allele origin: germline.

GeneDx
Classification: Likely benign. Last evaluated: 2020-07-06. Review status: criteria provided, single submitter. Criteria: GeneDx Variant Classification Process June 2021. Collection method: clinical testing. Allele origin: germline. Affected: yes.

Eurofins Ntd Llc (ga)
Classification: Uncertain significance. Last evaluated: 2017-11-21. Review status: criteria provided, single submitter. Criteria: EGL Classification Definitions 2015. Collection method: clinical testing. Allele origin: germline. Observed: 1 variant allele, 1 heterozygote.

PreventionGenetics, part of Exact Sciences
Classification: Likely benign for TJP2-related condition. Last evaluated: 2021-04-14. Review status: no assertion criteria provided. Collection method: clinical testing. Allele origin: germline. Not counted in ClinVar's aggregate classification.
Comment: This variant is classified as likely benign based on ACMG/AMP sequence variant interpretation guidelines (Richards et al. 2015 PMID: 25741868, with internal and published modifications).